The following is an entry in ClinVar:

NM_001039958.2(MESP2):c.1126C>G (p.Arg376Gly)

Gene: MESP2 (mesoderm posterior bHLH transcription factor 2; plus strand). Cytogenetic location: 15q26.1.
Variant type: single nucleotide variant.
Coding change: c.1126C>G on transcript NM_001039958.2 (MANE Select); coding-DNA position 1126, C replaced by G.
Protein change: p.Arg376Gly; replaces arginine 376 with glycine.
Molecular consequence: missense variant.
Genome position (GRCh38, 1-based): chr15:89,778,266, C>G. VCF-style: chr15-89778266-C-G. GRCh37 (hg19) VCF-style: chr15-90321497-C-G.
Other names: short protein forms R376G.
Identifiers: ClinVar variation 2427974 (VCV002427974.3), dbSNP rs752531314, ClinGen allele CA393776393.
Genomic context (GRCh38, chr15:89,778,266, plus strand): 5'-CAGGGACCGGGCGCCGCCTTCCAGCTCAGTGAAGCAAGCCCTCCCCAGAGCTCAGGCCTG[C>G]GGTTCAGTGGCTGCCCTGAACTTTGGCAAGAAGATCTGGAGGGGGCCCGCCTGGGCATCT-3'
Protein context (NP_001035047.1, residues 366-386): EASPPQSSGL[Arg376Gly]FSGCPELWQE

ClinVar aggregate classification (germline): Uncertain significance (1 of 4 stars; one submission).

Submission:

Labcorp Genetics (formerly Invitae), Labcorp
Classification: Uncertain significance. Last evaluated: 2022-04-15. Review status: criteria provided, single submitter. Criteria: Invitae Variant Classification Sherloc (09022015). Collection method: clinical testing. Allele origin: germline.
Comment: This sequence change replaces arginine, which is basic and polar, with glycine, which is neutral and non-polar, at codon 376 of the MESP2 protein (p.Arg376Gly). This variant is present in population databases (no rsID available, gnomAD 0.006%). This variant has not been reported in the literature in individuals affected with MESP2-related conditions. Algorithms developed to predict the effect of missense changes on protein structure and function (SIFT, PolyPhen-2, Align-GVGD) all suggest that this variant is likely to be tolerated. In summary, the available evidence is currently insufficient to determine the role of this variant in disease. Therefore, it has been classified as a Variant of Uncertain Significance.